The following is an entry in ClinVar:

ClinVar aggregate classification (germline): Uncertain significance (1 of 4 stars; one submission).

Conditions:
Cardiomyopathy (CMYO). Also called: Cardiomyopathies. Identifiers: Orphanet 167848, MedGen C0878544, MONDO:0004994, HP:0001638. Inheritance: Various modes of inheritance.

Submission:

Color Diagnostics, LLC DBA Color Health
Classification: Uncertain significance for Cardiomyopathy. Last evaluated: 2025-12-15. Review status: criteria provided, single submitter. Criteria: ACMG Guidelines, 2015. Collection method: clinical testing. Allele origin: germline.
Comment: This missense variant replaces isoleucine with methionine at codon 2797 of the DSP protein. Computational prediction suggests that this variant may not impact protein structure and function. To our knowledge, functional studies have not been reported for this variant. This variant has not been reported in individuals affected with DSP-related disorders in the literature. This variant has not been identified in the general population by the Genome Aggregation Database (gnomAD). The available evidence is insufficient to determine the role of this variant in disease conclusively. Therefore, this variant is classified as a Variant of Uncertain Significance.

NM_004415.4(DSP):c.8391C>G (p.Ile2797Met)

Gene: DSP (desmoplakin; plus strand). Cytogenetic location: 6p24.3.
Variant type: single nucleotide variant.
Coding change: c.8391C>G on transcript NM_004415.4 (MANE Select); coding-DNA position 8391, C replaced by G.
Protein change: p.Ile2797Met; replaces isoleucine 2797 with methionine.
Molecular consequence: missense variant.
Genome position (GRCh38, 1-based): chr6:7,585,653, C>G. VCF-style: chr6-7585653-C-G. GRCh37 (hg19) VCF-style: chr6-7585886-C-G.
Other names: c.6594C>G, p.Ile2198Met (NM_001008844.3); c.7062C>G, p.Ile2354Met (NM_001319034.2); short protein forms I2198M, I2354M, I2797M.
Identifiers: ClinVar variation 4756371 (VCV004756371.1).